The following is an entry in ClinVar:

ClinVar aggregate classification (germline): Uncertain significance. Review status: criteria provided, multiple submitters, no conflicts (2 of 4 stars). 2 submissions from 2 submitters: Uncertain significance (2). Last evaluated 2024-01-19.

Conditions:
Inborn genetic diseases. Identifiers: MedGen C0950123, MeSH D030342.

Allele frequency attached by ClinVar (database versions not stated): gnomAD 0.00001; TOPMed 0.00002.
gnomAD v4.1: 3 of 1,546,316 alleles (0.00019%); highest among the groups gnomAD compares: Admixed American, 0.0059%; no homozygotes.

Submissions (2):

Ambry Genetics
Classification: Uncertain significance for Inborn genetic diseases. Last evaluated: 2024-01-19. Review status: criteria provided, single submitter. Criteria: Ambry Variant Classification Scheme 2023. Collection method: clinical testing. Allele origin: germline.

Labcorp Genetics (formerly Invitae), Labcorp
Classification: Uncertain significance. Last evaluated: 2022-08-20. Review status: criteria provided, single submitter. Criteria: Invitae Variant Classification Sherloc (09022015). Collection method: clinical testing. Allele origin: germline.
Comment: This sequence change replaces tyrosine, which is neutral and polar, with cysteine, which is neutral and slightly polar, at codon 2382 of the PIEZO1 protein (p.Tyr2382Cys). This variant is not present in population databases (gnomAD no frequency). This variant has not been reported in the literature in individuals affected with PIEZO1-related conditions. Advanced modeling of protein sequence and biophysical properties (such as structural, functional, and spatial information, amino acid conservation, physicochemical variation, residue mobility, and thermodynamic stability) performed at Invitae indicates that this missense variant is not expected to disrupt PIEZO1 protein function. In summary, the available evidence is currently insufficient to determine the role of this variant in disease. Therefore, it has been classified as a Variant of Uncertain Significance.

NM_001142864.4(PIEZO1):c.7145A>G (p.Tyr2382Cys)

Gene: PIEZO1 (piezo type mechanosensitive ion channel component 1 (Er blood group); minus strand). Cytogenetic location: 16q24.3.
Variant type: single nucleotide variant.
Coding change: c.7145A>G on transcript NM_001142864.4 (MANE Select); coding-DNA position 7145, A replaced by G.
Protein change: p.Tyr2382Cys; replaces tyrosine 2382 with cysteine.
Molecular consequence: missense variant.
Genome position (GRCh38, 1-based): chr16:88,716,104, T>C on the plus strand (A>G on the coding strand, the complement: PIEZO1 is on the minus strand). VCF-style: chr16-88716104-T-C. GRCh37 (hg19) VCF-style: chr16-88782512-T-C.
Other names: c.7145A>G (NM_001142864.2); c.5687A>G, p.Tyr1896Cys (NM_014745.1); short protein forms Y2382C, Y1896C.
Identifiers: ClinVar variation 1929918 (VCV001929918.6), dbSNP rs1912005335, ClinGen allele CA397072938.